The following is an entry in ClinVar:

ClinVar aggregate classification (germline): Pathogenic (1 of 4 stars; one submission).

Conditions:
Arrhythmogenic cardiomyopathy with wooly hair and keratoderma. Also called: PALMOPLANTAR KERATODERMA WITH LEFT VENTRICULAR CARDIOMYOPATHY AND WOOLLY HAIR; Dilated cardiomyopathy with woolly hair and keratoderma; Carvajal syndrome; Arrhythmogenic cardiomyopathy with woolly hair and keratoderma. Identifiers: Orphanet 65282, MedGen C1854063, MONDO:0011581, OMIM 605676.
Arrhythmogenic right ventricular dysplasia 8 (ARVD8). Also called: Arrhythmogenic Right Ventricular Dysplasia/Cardiomyopathy 8; ARRHYTHMOGENIC RIGHT VENTRICULAR DYSPLASIA, FAMILIAL, 8; ARRHYTHMOGENIC RIGHT VENTRICULAR CARDIOMYOPATHY 8. Identifiers: MedGen C1843896, MONDO:0011831, OMIM 607450.

Submission:

Labcorp Genetics (formerly Invitae), Labcorp
Classification: Pathogenic for Arrhythmogenic cardiomyopathy with wooly hair and keratoderma; Arrhythmogenic right ventricular dysplasia 8. Last evaluated: 2024-10-01. Review status: criteria provided, single submitter. Criteria: Invitae Variant Classification Sherloc (09022015). Collection method: clinical testing. Allele origin: germline.
Comment: This sequence change creates a premature translational stop signal (p.Glu952*) in the DSP gene. It is expected to result in an absent or disrupted protein product. Loss-of-function variants in DSP are known to be pathogenic (PMID: 20716751, 24503780, 25227139). This variant is not present in population databases (gnomAD no frequency). This variant has not been reported in the literature in individuals affected with DSP-related conditions. For these reasons, this variant has been classified as Pathogenic.

Literature cited by the submitters: PubMed 20716751; PubMed 24503780; PubMed 25227139.

NM_004415.4(DSP):c.2854G>T (p.Glu952Ter)

Gene: DSP (desmoplakin; plus strand). Cytogenetic location: 6p24.3.
Variant type: single nucleotide variant.
Coding change: c.2854G>T on transcript NM_004415.4 (MANE Select); coding-DNA position 2854, G replaced by T.
Protein change: p.Glu952Ter; replaces glutamic acid 952 with a stop codon.
Molecular consequence: nonsense.
Genome position (GRCh38, 1-based): chr6:7,577,019, G>T. VCF-style: chr6-7577019-G-T. GRCh37 (hg19) VCF-style: chr6-7577252-G-T.
Other names: c.2854G>T, p.Glu952Ter (NM_001008844.3, NM_001319034.2); short protein forms E952*.
Identifiers: ClinVar variation 3749133 (VCV003749133.2).